The following is an entry in ClinVar:

NM_004006.3(DMD):c.374A>T (p.Lys125Ile)

Gene: DMD (dystrophin; minus strand). Cytogenetic location: Xp21.1.
Variant type: single nucleotide variant.
Coding change: c.374A>T on transcript NM_004006.3 (MANE Select); coding-DNA position 374, A replaced by T.
Protein change: p.Lys125Ile; replaces lysine 125 with isoleucine.
Molecular consequence: missense variant.
Genome position (GRCh38, 1-based): chrX:32,816,624, T>A on the plus strand (A>T on the coding strand, the complement: DMD is on the minus strand). VCF-style: chrX-32816624-T-A. GRCh37 (hg19) VCF-style: chrX-32834741-T-A.
Other names: c.350A>T, p.Lys117Ile (NM_000109.4); c.362A>T, p.Lys121Ile (NM_004009.3); c.5A>T, p.Lys2Ile (NM_004010.3); short protein forms K117I, K121I, K125I, K2I.
Identifiers: ClinVar variation 3628856 (VCV003628856.2).
Genomic context (GRCh38, chrX:32,816,624, plus strand): 5'-CGGACCCAGCTCAGGAGAATCTTTTCACTGTTGGTTTGTTGCAATCCAGCCATGATATTT[T>A]TCATTACATTTTTGACCTACATGTGGAAATAAATTTTCATAAGAAAATGCATTCCTTGAG-3'
Protein context (NP_003997.2, residues 115-135): ILHWQVKNVM[Lys125Ile]NIMAGLQQTN

ClinVar aggregate classification (germline): Uncertain significance (1 of 4 stars; one submission).

Conditions:
Duchenne muscular dystrophy (DMD). Also called: MUSCULAR DYSTROPHY, PSEUDOHYPERTROPHIC PROGRESSIVE, DUCHENNE TYPE; Duchenne Muscular Dystrophy (DMD). Identifiers: Orphanet 98896, MedGen C0013264, MONDO:0010679, OMIM 310200.

gnomAD v4.1: 2 of 1,209,895 alleles (0.00017%); highest among the groups gnomAD compares: African/African-American, 0.0035%; no homozygotes.

Submission:

Labcorp Genetics (formerly Invitae), Labcorp
Classification: Uncertain significance for Duchenne muscular dystrophy. Last evaluated: 2024-11-12. Review status: criteria provided, single submitter. Criteria: Invitae Variant Classification Sherloc (09022015). Collection method: clinical testing. Allele origin: germline.
Comment: This sequence change replaces lysine, which is basic and polar, with isoleucine, which is neutral and non-polar, at codon 125 of the DMD protein (p.Lys125Ile). This variant is present in population databases (rs777958392, gnomAD 0.008%). This variant has not been reported in the literature in individuals affected with DMD-related conditions. Invitae Evidence Modeling of protein sequence and biophysical properties (such as structural, functional, and spatial information, amino acid conservation, physicochemical variation, residue mobility, and thermodynamic stability) indicates that this missense variant is not expected to disrupt DMD protein function with a negative predictive value of 95%. In summary, the available evidence is currently insufficient to determine the role of this variant in disease. Therefore, it has been classified as a Variant of Uncertain Significance.